The following is an entry in ClinVar:

ClinVar aggregate classification (germline): Uncertain significance (1 of 4 stars; one submission).

Submission:

Women's Health and Genetics/Laboratory Corporation of America, LabCorp
Classification: Uncertain significance. Last evaluated: 2025-04-03. Review status: criteria provided, single submitter. Criteria: LabCorp Variant Classification Summary - May 2015. Collection method: clinical testing. Allele origin: germline.
Comment: Variant summary: The variant involves the duplication of exons 1-5 in the CHD1 gene. A presumed nomenclature of c.(?_-618)_(437+1_438-1)dup has been designated for the purposes of this classification. The exact breakpoint at the 5' end of this variant is unknown, therefore this duplication may extend upstream of the annotated region of this gene. It is predicted to duplicate a segment including the initiation codon, therefore its impact on the encoded protein is unknown. The variant was absent in 21694 control chromosomes. The available data on variant occurrences in the general population are insufficient to allow any conclusion about variant significance. To our knowledge, no occurrence of c.(?_-618)_(437+1_438-1)dup in individuals affected with Pilarowski-Bjornsson Syndrome and no experimental evidence demonstrating its impact on protein function have been reported. No submitters have cited clinical-significance assessments for this variant to ClinVar. Based on the evidence outlined above, the variant was classified as uncertain significance.

NC_000005.9:g.(98237040_98238603)_(98264712_?)dup

Gene: CHD1 (chromodomain helicase DNA binding protein 1; minus strand). Cytogenetic location: 5q21.1.
Variant type: Duplication.
Identifiers: ClinVar variation 3896502 (VCV003896502.2).